The following is an entry in ClinVar:

ClinVar aggregate classification (germline): Uncertain significance (1 of 4 stars; one submission).

Submission:

Labcorp Genetics (formerly Invitae), Labcorp
Classification: Uncertain significance. Last evaluated: 2025-11-09. Review status: criteria provided, single submitter. Criteria: Invitae Variant Classification Sherloc (09022015). Collection method: clinical testing. Allele origin: germline.
Comment: This sequence change replaces cysteine, which is neutral and slightly polar, with glycine, which is neutral and non-polar, at codon 249 of the MSH3 protein (p.Cys249Gly). This variant is not present in population databases (gnomAD no frequency). This variant has not been reported in the literature in individuals affected with MSH3-related conditions. An algorithm developed to predict the effect of missense changes on protein structure and function (PolyPhen-2) suggests that this variant is likely to be disruptive. In summary, the available evidence is currently insufficient to determine the role of this variant in disease. Therefore, it has been classified as a Variant of Uncertain Significance.

NM_002439.5(MSH3):c.745T>G (p.Cys249Gly)

Gene: MSH3 (mutS homolog 3; plus strand). Cytogenetic location: 5q14.1.
Variant type: single nucleotide variant.
Coding change: c.745T>G on transcript NM_002439.5 (MANE Select); coding-DNA position 745, T replaced by G.
Protein change: p.Cys249Gly; replaces cysteine 249 with glycine.
Molecular consequence: missense variant.
Genome position (GRCh38, 1-based): chr5:80,670,262, T>G. VCF-style: chr5-80670262-T-G. GRCh37 (hg19) VCF-style: chr5-79966081-T-G.
Other names: short protein forms C249G.
Identifiers: ClinVar variation 4730761 (VCV004730761.1).